The following is an entry in ClinVar:

NM_017841.4(SDHAF2):c.267del (p.Phe89fs)

Gene: SDHAF2 (succinate dehydrogenase complex assembly factor 2; plus strand). Cytogenetic location: 11q12.2.
Variant type: Deletion.
Coding change: c.267del on transcript NM_017841.4 (MANE Select); coding-DNA position 267, one base deleted (T; older notation c.267delT).
Protein change: p.Phe89fs; shifts the reading frame from phenylalanine 89.
Molecular consequence: frameshift variant.
Genome position (GRCh38, 1-based): chr11:61,438,010, T deleted; the last of 5 consecutive T bases (chr11:61,438,006-61,438,010); deleting any one gives the same sequence. VCF-style (leftmost placement, unchanged base first): chr11-61438005-CT-C. GRCh37 (hg19) VCF-style: chr11-61205477-CT-C.
Other names: short protein forms F89fs.
Identifiers: ClinVar variation 1451128 (VCV001451128.11), dbSNP rs766035180, ClinGen allele CA6035174.

ClinVar aggregate classification (germline): Pathogenic/Likely pathogenic. Review status: criteria provided, multiple submitters, no conflicts (2 of 4 stars). 4 submissions from 4 submitters: Pathogenic (3); Likely pathogenic (1). Last evaluated 2026-03-20.

Conditions:
Hereditary pheochromocytoma and paraganglioma. Also called: Hereditary pheochromocytoma-paraganglioma; Hereditary Paraganglioma-Pheochromocytoma Syndromes; Hereditary paragangliomas and pheochromocytomas. Identifiers: Orphanet 29072, MedGen C4274332, MONDO:0017366.
Hereditary cancer-predisposing syndrome. Also called: Hereditary Cancer Syndrome; Hereditary neoplastic syndrome; Neoplastic Syndromes, Hereditary; Tumor predisposition. Identifiers: Orphanet 140162, MedGen C0027672, MeSH D009386, MONDO:0015356.
Pheochromocytoma/paraganglioma syndrome 2. Also called: SDHAF2-Related Hereditary Paraganglioma-Pheochromocytoma Syndrome; GLOMUS TUMORS, FAMILIAL, 2; Paragangliomas 2; SDHAF2-Related Hereditary Paraganglioma-Pheochromocytoma Syndrome (Paragangliomas 2). Identifiers: Orphanet 29072, MedGen C1866552, MONDO:0011121, OMIM 601650.

Submissions (4):

Myriad Genetics, Inc.
Classification: Pathogenic for Pheochromocytoma/paraganglioma syndrome 2. Last evaluated: 2026-03-20. Review status: criteria provided, single submitter. Criteria: Myriad Autosomal Dominant, Autosomal Recessive and X-Linked Classification Criteria (2023). Collection method: clinical testing. Allele origin: unknown.
Comment: This variant is considered pathogenic. This variant creates a frameshift predicted to result in premature protein truncation.

Labcorp Genetics (formerly Invitae), Labcorp
Classification: Pathogenic for Hereditary pheochromocytoma and paraganglioma. Last evaluated: 2025-08-21. Review status: criteria provided, single submitter. Criteria: Invitae Variant Classification Sherloc (09022015). Collection method: clinical testing. Allele origin: germline.
Comment: This sequence change creates a premature translational stop signal (p.Phe89Leufs*9) in the SDHAF2 gene. It is expected to result in an absent or disrupted protein product. Loss-of-function variants in SDHAF2 are known to be pathogenic (PMID: 22241717, 26096992). The frequency data for this variant in the population databases is considered unreliable, as metrics indicate poor data quality at this position in the gnomAD database. This variant has not been reported in the literature in individuals affected with SDHAF2-related conditions. ClinVar contains an entry for this variant (Variation ID: 1451128). For these reasons, this variant has been classified as Pathogenic.

Ambry Genetics
Classification: Pathogenic for Hereditary cancer-predisposing syndrome. Last evaluated: 2024-12-31. Review status: criteria provided, single submitter. Criteria: Ambry Variant Classification Scheme 2023. Collection method: clinical testing. Allele origin: germline.
Comment: The c.267delT pathogenic mutation, located in coding exon 3 of the SDHAF2 gene, results from a deletion of one nucleotide at nucleotide position 267, causing a translational frameshift with a predicted alternate stop codon (p.F89Lfs*9). This alteration is expected to result in loss of function by premature protein truncation or nonsense-mediated mRNA decay. As such, this alteration is interpreted as a disease-causing mutation.

Baylor Genetics
Classification: Likely pathogenic for Pheochromocytoma/paraganglioma syndrome 2. Last evaluated: 2024-02-27. Review status: criteria provided, single submitter. Criteria: ACMG Guidelines, 2015. Collection method: clinical testing. Allele origin: unknown.

Literature cited by the submitters: PubMed 22241717 (cited by Labcorp Genetics (formerly Invitae), Labcorp); PubMed 26096992 (cited by Labcorp Genetics (formerly Invitae), Labcorp).